The following is an entry in ClinVar:

NM_000179.3(MSH6):c.1733A>T (p.His578Leu)

Gene: MSH6 (mutS homolog 6; plus strand). Cytogenetic location: 2p16.3.
Variant type: single nucleotide variant.
Coding change: c.1733A>T on transcript NM_000179.3 (MANE Select); coding-DNA position 1733, A replaced by T.
Protein change: p.His578Leu; replaces histidine 578 with leucine.
Molecular consequence: missense variant.
Genome position (GRCh38, 1-based): chr2:47,799,716, A>T. VCF-style: chr2-47799716-A-T. GRCh37 (hg19) VCF-style: chr2-48026855-A-T.
Other names: c.1343A>T, p.His448Leu (NM_001281492.2); c.827A>T, p.His276Leu (NM_001281493.2, NM_001281494.2); short protein forms H578L, H276L, H448L.
Identifiers: ClinVar variation 455152 (VCV000455152.9), dbSNP rs1553413111, ClinGen allele CA346748793.

ClinVar aggregate classification (germline): Uncertain significance (1 of 4 stars; one submission).

Conditions:
Hereditary nonpolyposis colorectal neoplasms. Identifiers: MedGen C0009405, MeSH D003123.

Submission:

Labcorp Genetics (formerly Invitae), Labcorp
Classification: Uncertain significance for Hereditary nonpolyposis colorectal neoplasms. Last evaluated: 2025-11-09. Review status: criteria provided, single submitter. Criteria: Invitae Variant Classification Sherloc (09022015). Collection method: clinical testing. Allele origin: germline.
Comment: This sequence change replaces histidine, which is basic and polar, with leucine, which is neutral and non-polar, at codon 578 of the MSH6 protein (p.His578Leu). This variant is not present in population databases (gnomAD no frequency). This variant has not been reported in the literature in individuals affected with MSH6-related conditions. ClinVar contains an entry for this variant (Variation ID: 455152). Invitae Evidence Modeling of protein sequence and biophysical properties (such as structural, functional, and spatial information, amino acid conservation, physicochemical variation, residue mobility, and thermodynamic stability) indicates that this missense variant is not expected to disrupt MSH6 protein function with a negative predictive value of 95%. In summary, the available evidence is currently insufficient to determine the role of this variant in disease. Therefore, it has been classified as a Variant of Uncertain Significance.